The following is an entry in ClinVar:

NM_032634.4(PIGO):c.178del (p.Ala60fs)

Gene: PIGO (phosphatidylinositol glycan anchor biosynthesis class O; minus strand). Cytogenetic location: 9p13.3.
Variant type: Deletion.
Coding change: c.178del on transcript NM_032634.4 (MANE Select); coding-DNA position 178, one base deleted (G; older notation c.178delG).
Protein change: p.Ala60fs; shifts the reading frame from alanine 60.
Molecular consequence: frameshift variant.
Genome position (GRCh38, 1-based): chr9:35,095,388, C deleted on the plus strand (G on the coding strand, the reverse complement: PIGO is on the minus strand); the first of 4 consecutive C bases (chr9:35,095,388-35,095,391); deleting any one gives the same sequence. VCF-style (leftmost placement, unchanged base first): chr9-35095387-GC-G. GRCh37 (hg19) VCF-style: chr9-35095384-GC-G.
Other names: c.178del, p.Ala60fs (NM_001201484.2, NM_152850.4); short protein forms A60fs.
Identifiers: ClinVar variation 963282 (VCV000963282.7), dbSNP rs1378962389, ClinGen allele CA464604428.

ClinVar aggregate classification (germline): Pathogenic (1 of 4 stars; one submission).

Conditions:
Hyperphosphatasia with impaired intellectual development syndrome 2. Also called: Hyperphosphatasia with intellectual disability syndrome 2; GLYCOSYLPHOSPHATIDYLINOSITOL BIOSYNTHESIS DEFECT 6. Identifiers: Orphanet 247262, MedGen C3553637, MONDO:0013882, OMIM 614749.

Submission:

Labcorp Genetics (formerly Invitae), Labcorp
Classification: Pathogenic for Hyperphosphatasia with impaired intellectual development syndrome 2. Last evaluated: 2023-04-13. Review status: criteria provided, single submitter. Criteria: Invitae Variant Classification Sherloc (09022015). Collection method: clinical testing. Allele origin: germline.
Comment: For these reasons, this variant has been classified as Pathogenic. ClinVar contains an entry for this variant (Variation ID: 963282). This variant has not been reported in the literature in individuals affected with PIGO-related conditions. This variant is present in population databases (no rsID available, gnomAD 0.01%). This sequence change creates a premature translational stop signal (p.Ala60Profs*15) in the PIGO gene. It is expected to result in an absent or disrupted protein product. Loss-of-function variants in PIGO are known to be pathogenic (PMID: 22683086, 24417746).

Literature cited by the submitters: PubMed 22683086; PubMed 24417746.